The following is an entry in ClinVar:

ClinVar aggregate classification (germline): Conflicting classifications of pathogenicity. Review status: criteria provided, conflicting classifications (1 of 4 stars). 5 submissions from 5 submitters: Uncertain significance (2); Likely benign (2). 1 of the submissions does not count toward it. Last evaluated 2025-12-14.

Conditions:
Epidermolysis bullosa simplex 5B, with muscular dystrophy (EBS5B). Also called: EPIDERMOLYSIS BULLOSA SIMPLEX AND LIMB-GIRDLE MUSCULAR DYSTROPHY; Epidermolysis bullosa simplex with muscular dystrophy. Identifiers: Orphanet 257, MedGen C2931072, MONDO:0009181, OMIM 226670.
Autosomal recessive limb-girdle muscular dystrophy type 2Q (LGMDR17). Also called: MUSCULAR DYSTROPHY, LIMB-GIRDLE, AUTOSOMAL RECESSIVE 17. Identifiers: Orphanet 254361, MedGen C3150989, MONDO:0013390, OMIM 613723.
Epidermolysis bullosa simplex, Ogna type (EBS5A). Also called: Pidermolysis bullosa simplex 5A, Ogna type; EPIDERMOLYSIS BULLOSA SIMPLEX 5A, OGNA TYPE. Identifiers: Orphanet 79401, MedGen C0432317, MONDO:0007555, OMIM 131950.
Epidermolysis bullosa simplex with nail dystrophy (EBS5D). Identifiers: MedGen C4225309, MONDO:0014661, OMIM 616487.
Epidermolysis bullosa simplex 5C, with pyloric atresia (EBS5C). Also called: PLEC-Related Epidermolysis Bullosa with Pyloric Atresia; Epidermolysis bullosa simplex with pyloric atresia; PLEC1-Related Epidermolysis Bullosa with Pyloric Atresia. Identifiers: Orphanet 158684, MedGen C2677349, MONDO:0012807, OMIM 612138.
PLEC-related disorder. Also called: PLEC-related condition; PLEC-related disorders.

Allele frequency attached by ClinVar (database versions not stated): gnomAD exomes 0.00002 and 0.00010; ExAC 0.00003; TOPMed 0.00008; gnomAD 0.00009.
gnomAD v4.1: 156 of 1,613,538 alleles (0.0097%); highest among the groups gnomAD compares: Non-Finnish European, 0.013%; no homozygotes.

Submissions (5):

Labcorp Genetics (formerly Invitae), Labcorp
Classification: Likely benign for Autosomal recessive limb-girdle muscular dystrophy type 2Q; Epidermolysis bullosa simplex, Ogna type; Epidermolysis bullosa simplex with nail dystrophy; Epidermolysis bullosa simplex 5C, with pyloric atresia; Epidermolysis bullosa simplex 5B, with muscular dystrophy. Last evaluated: 2025-12-14. Review status: criteria provided, single submitter. Criteria: Invitae Variant Classification Sherloc (09022015). Collection method: clinical testing. Allele origin: germline.

Blueprint Genetics
Classification: Likely benign. Last evaluated: 2024-09-24. Review status: criteria provided, single submitter. Criteria: ACMG Guidelines, 2015. Collection method: clinical testing. Allele origin: germline.

Athena Diagnostics
Classification: Uncertain significance. Last evaluated: 2021-12-13. Review status: criteria provided, single submitter. Criteria: Athena Diagnostics Criteria. Collection method: clinical testing. Allele origin: unknown.

Eurofins Ntd Llc (ga)
Classification: Uncertain significance. Last evaluated: 2016-09-30. Review status: criteria provided, single submitter. Criteria: EGL Classification Definitions 2015. Collection method: clinical testing. Allele origin: germline. Observed: 2 variant alleles, 2 heterozygotes.

PreventionGenetics, part of Exact Sciences
Classification: Likely benign for PLEC-related condition. Last evaluated: 2019-03-05. Review status: no assertion criteria provided. Collection method: clinical testing. Allele origin: germline. Not counted in ClinVar's aggregate classification.
Comment: This variant is classified as likely benign based on ACMG/AMP sequence variant interpretation guidelines (Richards et al. 2015 PMID: 25741868, with internal and published modifications).

NM_201384.3(PLEC):c.113-6C>T

Gene: PLEC (plectin; minus strand). Cytogenetic location: 8q24.3.
Variant type: single nucleotide variant.
Coding change: c.113-6C>T on transcript NM_201384.3 (MANE Select); 6 bases into the intron before coding-DNA position 113, C replaced by T.
Molecular consequence: intron variant.
Genome position (GRCh38, 1-based): chr8:143,938,698, G>A on the plus strand (C>T on the coding strand, the complement: PLEC is on the minus strand). VCF-style: chr8-143938698-G-A. GRCh37 (hg19) VCF-style: chr8-145012866-G-A.
Other names: c.194-6C>T (NM_000445.5, NM_000445.4); c.71-6C>T (NM_201378.4); c.47-6C>T (NM_201379.3); c.524-6C>T (NM_201380.4); c.17-6C>T (NM_201381.3); c.113-6C>T (NM_201382.4); c.125-6C>T (NM_201383.3).
Identifiers: ClinVar variation 497015 (VCV000497015.13), dbSNP rs782235036, ClinGen allele CA4928625.